The following is an entry in ClinVar:

ClinVar aggregate classification (germline): Conflicting classifications of pathogenicity. Review status: criteria provided, conflicting classifications (1 of 4 stars). 3 submissions from 3 submitters: Uncertain significance (2); Likely benign (1). Last evaluated 2025-07-23.

Conditions:
Familial hypobetalipoproteinemia 1. Also called: Hypobetalipoproteinemia, normotriglyceridemic; Acanthocytosis with hypobetalipoproteinemia; APOB-Related Familial Hypobetalipoproteinemia. Identifiers: MedGen C4551990, MONDO:0014252, OMIM 615558.
Hypercholesterolemia, autosomal dominant, type B (FHCL2). Also called: Familial Hypercholesterolemia Type B; HYPERCHOLESTEROLEMIA, FAMILIAL, DUE TO LIGAND-DEFECTIVE APOLIPOPROTEIN B; Familial hypercholesterolemia 2; APOB-Related Familial Hypercholesterolemia, Autosomal Dominant; APOLIPOPROTEIN B-100, FAMILIAL DEFECTIVE; APOLIPOPROTEIN B-100, FAMILIAL LIGAND-DEFECTIVE. Identifiers: MedGen C1704417, MONDO:0007751, OMIM 144010.
Cardiovascular phenotype. Identifiers: MedGen CN230736.

Allele frequency attached by ClinVar (database versions not stated): gnomAD exomes below 0.00001 and 0.00001; ExAC 0.00001; gnomAD 0.00001; TOPMed 0.00001; ESP Exome Variant Server 0.00008.
gnomAD v4.1: 7 of 1,614,006 alleles (0.00043%); highest among the groups gnomAD compares: Non-Finnish European, 0.00059%; no homozygotes.

Submissions (3):

Labcorp Genetics (formerly Invitae), Labcorp
Classification: Likely benign for Familial hypobetalipoproteinemia 1; Hypercholesterolemia, autosomal dominant, type B. Last evaluated: 2025-07-23. Review status: criteria provided, single submitter. Criteria: Invitae Variant Classification Sherloc (09022015). Collection method: clinical testing. Allele origin: germline.

GeneDx
Classification: Uncertain significance. Last evaluated: 2023-05-16. Review status: criteria provided, single submitter. Criteria: GeneDx Variant Classification Process June 2021. Collection method: clinical testing. Allele origin: germline. Affected: yes.
Comment: Not observed at significant frequency in large population cohorts (gnomAD); In silico analysis supports that this missense variant has a deleterious effect on protein structure/function; Has not been previously published as pathogenic or benign to our knowledge; This variant is associated with the following publications: (PMID: 30076208)

Ambry Genetics
Classification: Uncertain significance for Cardiovascular phenotype. Last evaluated: 2023-04-16. Review status: criteria provided, single submitter. Criteria: Ambry Variant Classification Scheme 2023. Collection method: clinical testing. Allele origin: germline.
Comment: The p.Y2759C variant (also known as c.8276A>G), located in coding exon 26 of the APOB gene, results from an A to G substitution at nucleotide position 8276. The tyrosine at codon 2759 is replaced by cysteine, an amino acid with highly dissimilar properties. This amino acid position is conserved. In addition, this alteration is predicted to be tolerated by in silico analysis. Since supporting evidence is limited at this time, the clinical significance of this alteration remains unclear.

NM_000384.3(APOB):c.8276A>G (p.Tyr2759Cys)

Gene: APOB (apolipoprotein B; minus strand). Cytogenetic location: 2p24.1.
Variant type: single nucleotide variant.
Coding change: c.8276A>G on transcript NM_000384.3 (MANE Select); coding-DNA position 8276, A replaced by G.
Protein change: p.Tyr2759Cys; replaces tyrosine 2759 with cysteine.
Molecular consequence: missense variant.
Genome position (GRCh38, 1-based): chr2:21,008,592, T>C on the plus strand (A>G on the coding strand, the complement: APOB is on the minus strand). VCF-style: chr2-21008592-T-C. GRCh37 (hg19) VCF-style: chr2-21231464-T-C.
Other names: short protein forms Y2759C.
Identifiers: ClinVar variation 922582 (VCV000922582.8), dbSNP rs370153092, ClinGen allele CA065486.